The following is an entry in ClinVar:

ClinVar aggregate classification (germline): Uncertain significance. Review status: criteria provided, multiple submitters, no conflicts (2 of 4 stars). 2 submissions from 2 submitters: Uncertain significance (2). Last evaluated 2023-10-25.

Submissions (2):

Blueprint Genetics
Classification: Uncertain significance. Last evaluated: 2023-10-25. Review status: criteria provided, single submitter. Criteria: ACMG Guidelines, 2015. Collection method: clinical testing. Allele origin: germline.

Labcorp Genetics (formerly Invitae), Labcorp
Classification: Uncertain significance. Last evaluated: 2022-03-29. Review status: criteria provided, single submitter. Criteria: Invitae Variant Classification Sherloc (09022015). Collection method: clinical testing. Allele origin: germline.
Comment: This sequence change replaces glycine, which is neutral and non-polar, with valine, which is neutral and non-polar, at codon 129 of the IGF2 protein (p.Gly129Val). This variant is not present in population databases (gnomAD no frequency). In summary, the available evidence is currently insufficient to determine the role of this variant in disease. Therefore, it has been classified as a Variant of Uncertain Significance. Algorithms developed to predict the effect of missense changes on protein structure and function are either unavailable or do not agree on the potential impact of this missense change (SIFT: "Deleterious"; PolyPhen-2: "Probably Damaging"; Align-GVGD: "Class C0"). This variant has not been reported in the literature in individuals affected with IGF2-related conditions.

NM_000612.6(IGF2):c.386G>T (p.Gly129Val)

Genes: IGF2 (insulin like growth factor 2; minus strand), INS-IGF2 (INS-IGF2 readthrough; minus strand). Cytogenetic location: 11p15.5.
Variant type: single nucleotide variant.
Coding change: c.386G>T on transcript NM_000612.6 (MANE Select); coding-DNA position 386, G replaced by T.
Protein change: p.Gly129Val; replaces glycine 129 with valine.
Molecular consequence: missense variant. On other transcripts: non-coding transcript variant (1).
Genome position (GRCh38, 1-based): chr11:2,133,144, C>A on the plus strand (G>T on the coding strand, the complement: IGF2 is on the minus strand). VCF-style: chr11-2133144-C-A. GRCh37 (hg19) VCF-style: chr11-2154374-C-A.
Other names: c.386G>T, p.Gly129Val (NM_001007139.6, NM_001291861.3, NM_001291862.3); c.554G>T, p.Gly185Val (NM_001127598.3); short protein forms G129V, G185V.
Identifiers: ClinVar variation 1962591 (VCV001962591.6), dbSNP rs2495571857, ClinGen allele CA379113236.
Genomic context (GRCh38, chr11:2,133,144, plus strand): 5'-AACGCCTCGAGCTCCTTGGCGAGCACGTGACCCCGGCGGGCACGCAGGAGGGCAGGCAGG[C>A]CCCTGCGCAGGCGCTGGGTGGACTGCTTCCAGGTGTCATATTGGAAGAACTTGCCCACGG-3'
Protein context (NP_000603.1, residues 119-139): WKQSTQRLRR[Gly129Val]LPALLRARRG